The following is an entry in ClinVar:

ClinVar aggregate classification (germline): Uncertain significance (1 of 4 stars; one submission).

Allele frequency attached by ClinVar (database versions not stated): gnomAD exomes below 0.00001.
gnomAD v4.1: 3 of 1,614,182 alleles (0.00019%); highest among the groups gnomAD compares: South Asian, 0.0011%; no homozygotes.

Submission:

Labcorp Genetics (formerly Invitae), Labcorp
Classification: Uncertain significance. Last evaluated: 2022-03-05. Review status: criteria provided, single submitter. Criteria: Invitae Variant Classification Sherloc (09022015). Collection method: clinical testing. Allele origin: germline.
Comment: In summary, the available evidence is currently insufficient to determine the role of this variant in disease. Therefore, it has been classified as a Variant of Uncertain Significance. Algorithms developed to predict the effect of missense changes on protein structure and function are either unavailable or do not agree on the potential impact of this missense change (SIFT: "Deleterious"; PolyPhen-2: "Benign"; Align-GVGD: "Class C55"). This variant has not been reported in the literature in individuals affected with DHX38-related conditions. This variant is not present in population databases (gnomAD no frequency). This sequence change replaces alanine, which is neutral and non-polar, with threonine, which is neutral and polar, at codon 770 of the DHX38 protein (p.Ala770Thr).

NM_014003.4(DHX38):c.2308G>A (p.Ala770Thr)

Gene: DHX38 (DEAH-box helicase 38; plus strand). Cytogenetic location: 16q22.2.
Variant type: single nucleotide variant.
Coding change: c.2308G>A on transcript NM_014003.4 (MANE Select); coding-DNA position 2308, G replaced by A.
Protein change: p.Ala770Thr; replaces alanine 770 with threonine.
Molecular consequence: missense variant.
Genome position (GRCh38, 1-based): chr16:72,105,277, G>A. VCF-style: chr16-72105277-G-A. GRCh37 (hg19) VCF-style: chr16-72139176-G-A.
Other names: short protein forms A770T.
Identifiers: ClinVar variation 2095075 (VCV002095075.2), dbSNP rs900703623, ClinGen allele CA283685592.